The following is an entry in ClinVar:

ClinVar aggregate classification (germline): Uncertain significance (1 of 4 stars; one submission).

gnomAD v4.1: 1 of 1,614,218 alleles (0.000062%); no homozygotes.

Submission:

ARUP Laboratories, Molecular Genetics and Genomics, ARUP Laboratories
Classification: Uncertain significance. Last evaluated: 2020-04-03. Review status: criteria provided, single submitter. Criteria: ARUP Molecular Germline Variant Investigation Process. Collection method: clinical testing. Allele origin: germline.
Comment: The PIK3CG c.1307G>A, p.Gly436Asp variant, to our knowledge, is not reported in the medical literature or gene specific databases. This variant is also absent from general population databases (Exome Variant Server, Genome Aggregation Database), indicating it is not a common polymorphism. The glycine at codon 436 is moderately conserved, and computational analyses (SIFT, PolyPhen-2) predict that this variant is tolerated. Due to limited information, the clinical significance of the p.Gly436Asp variant is uncertain at this time. Gene Statement: To date, an association with human disease has not been established for germline pathogenic variants in this gene (MIM: 601232). However studies performed in mice have demonstrated that PIK3CG is important in neutrophil, macrophage and T-cell function (Hirsch 2000 and Sasaki 2000). Other members of the phosphoinositide 3-kinase gene family (PIK3CD and PIK3R1) are associated with immunodeficiency. Hirsch E et al. Central role for G protein-coupled phosphoinositide 3-kinase gamma in inflammation. Science. 2000 Feb 11;287(5455):1049-53. Sasaki T et al. Function of PI3Kgamma in thymocyte development, T cell activation, and neutrophil migration. Science. 2000 Feb 11;287(5455):1040-6.

NM_001282426.2(PIK3CG):c.1307G>A (p.Gly436Asp)

Gene: PIK3CG (phosphatidylinositol-4,5-bisphosphate 3-kinase catalytic subunit gamma; plus strand). Cytogenetic location: 7q22.3.
Variant type: single nucleotide variant.
Coding change: c.1307G>A on transcript NM_001282426.2 (MANE Select); coding-DNA position 1307, G replaced by A.
Protein change: p.Gly436Asp; replaces glycine 436 with aspartic acid.
Molecular consequence: missense variant.
Genome position (GRCh38, 1-based): chr7:106,868,868, G>A. VCF-style: chr7-106868868-G-A. GRCh37 (hg19) VCF-style: chr7-106509313-G-A.
Other names: c.1307G>A, p.Gly436Asp (NM_001282427.2, NM_002649.3); short protein forms G436D.
Identifiers: ClinVar variation 994079 (VCV000994079.8), dbSNP rs1790423394, ClinGen allele CA368827466.